The following is an entry in ClinVar:

ClinVar aggregate classification (germline): Uncertain significance. Review status: criteria provided, multiple submitters, no conflicts (2 of 4 stars). 3 submissions from 3 submitters: Uncertain significance (3). Last evaluated 2024-06-18.

Conditions:
Cardiovascular phenotype. Identifiers: MedGen CN230736.
Long QT syndrome (LQTS). Identifiers: MedGen C0023976, MeSH D008133, MONDO:0002442. Disease mechanism: loss of function. Inheritance: Various modes of inheritance.

Allele frequency attached by ClinVar (database versions not stated): gnomAD 0.00001; gnomAD exomes 0.00001; TOPMed 0.00001.

Submissions (3):

Blueprint Genetics
Classification: Uncertain significance. Last evaluated: 2024-06-18. Review status: criteria provided, single submitter. Criteria: ACMG Guidelines, 2015. Collection method: clinical testing. Allele origin: germline.

Ambry Genetics
Classification: Uncertain significance for Cardiovascular phenotype. Last evaluated: 2023-10-08. Review status: criteria provided, single submitter. Criteria: Ambry Variant Classification Scheme 2023. Collection method: clinical testing. Allele origin: germline.
Comment: The p.R528K variant (also known as c.1583G>A), located in coding exon 8 of the AKAP9 gene, results from a G to A substitution at nucleotide position 1583. The arginine at codon 528 is replaced by lysine, an amino acid with highly similar properties. This amino acid position is poorly conserved in available vertebrate species, and lysine is the reference amino acid in other vertebrate species. In addition, this alteration is predicted to be tolerated by in silico analysis. Since supporting evidence is limited at this time, the clinical significance of this alteration remains unclear.

Labcorp Genetics (formerly Invitae), Labcorp
Classification: Uncertain significance for Long QT syndrome. Last evaluated: 2022-05-05. Review status: criteria provided, single submitter. Criteria: Invitae Variant Classification Sherloc (09022015). Collection method: clinical testing. Allele origin: germline.
Comment: In summary, the available evidence is currently insufficient to determine the role of this variant in disease. Therefore, it has been classified as a Variant of Uncertain Significance. Algorithms developed to predict the effect of missense changes on protein structure and function output the following: SIFT: "Tolerated"; PolyPhen-2: "Benign"; Align-GVGD: "Class C0". The lysine amino acid residue is found in multiple mammalian species, which suggests that this missense change does not adversely affect protein function. ClinVar contains an entry for this variant (Variation ID: 519305). This variant has not been reported in the literature in individuals affected with AKAP9-related conditions. This variant is not present in population databases (gnomAD no frequency). This sequence change replaces arginine, which is basic and polar, with lysine, which is basic and polar, at codon 528 of the AKAP9 protein (p.Arg528Lys).

NM_005751.5(AKAP9):c.1583G>A (p.Arg528Lys)

Gene: AKAP9 (A-kinase anchoring protein 9; plus strand). Cytogenetic location: 7q21.2.
Variant type: single nucleotide variant.
Coding change: c.1583G>A on transcript NM_005751.5 (MANE Select); coding-DNA position 1583, G replaced by A.
Protein change: p.Arg528Lys; replaces arginine 528 with lysine.
Molecular consequence: missense variant.
Genome position (GRCh38, 1-based): chr7:92,001,500, G>A. VCF-style: chr7-92001500-G-A. GRCh37 (hg19) VCF-style: chr7-91630814-G-A.
Other names: c.1583G>A, p.Arg528Lys (NM_147185.3); short protein forms R528K.
Identifiers: ClinVar variation 519305 (VCV000519305.10), dbSNP rs1252942288, ClinGen allele CA368122120.